The following is an entry in ClinVar:

NM_003242.6(TGFBR2):c.1229T>C (p.Val410Ala)

Gene: TGFBR2 (transforming growth factor beta receptor 2; plus strand). Cytogenetic location: 3p24.1.
Variant type: single nucleotide variant.
Coding change: c.1229T>C on transcript NM_003242.6 (MANE Select); coding-DNA position 1229, T replaced by C.
Protein change: p.Val410Ala; replaces valine 410 with alanine.
Molecular consequence: missense variant.
Genome position (GRCh38, 1-based): chr3:30,672,412, T>C. VCF-style: chr3-30672412-T-C. GRCh37 (hg19) VCF-style: chr3-30713904-T-C.
Other names: c.1304T>C, p.Val435Ala (NM_001024847.3); c.1412T>C, p.Val471Ala (NM_001407126.1); c.1337T>C, p.Val446Ala (NM_001407127.1); c.1256T>C, p.Val419Ala (NM_001407128.1); c.1232T>C, p.Val411Ala (NM_001407129.1); c.1229T>C, p.Val410Ala (NM_001407130.1); c.1124T>C, p.Val375Ala (NM_001407132.1, NM_001407133.1, NM_001407134.1 and 2 more transcripts); c.944T>C, p.Val315Ala (NM_001407137.1); and 1 more; short protein forms V471A, V315A, V375A, V435A, V446A, V410A, V411A, V290A.
Identifiers: ClinVar variation 2181089 (VCV002181089.4), dbSNP rs2470564258, ClinGen allele CA351808801.
Genomic context (GRCh38, chr3:30,672,412, plus strand): 5'-ACCTAACCTGCTGCCTGTGTGACTTTGGGCTTTCCCTGCGTCTGGACCCTACTCTGTCTG[T>C]GGATGACCTGGCTAACAGTGGGCAGGTAAGTTAGAGCTAGTGCTAGATCCCCTTTACCTT-3'
Protein context (NP_003233.4, residues 400-420): LSLRLDPTLS[Val410Ala]DDLANSGQVG

ClinVar aggregate classification (germline): Uncertain significance (1 of 4 stars; one submission).

Conditions:
Familial thoracic aortic aneurysm and aortic dissection (TAAD). Also called: Thoracic aortic aneurysms and dissections. Identifiers: Orphanet 91387, MedGen C4707243, MONDO:0019625.

Submission:

Labcorp Genetics (formerly Invitae), Labcorp
Classification: Uncertain significance for Familial thoracic aortic aneurysm and aortic dissection. Last evaluated: 2023-02-14. Review status: criteria provided, single submitter. Criteria: Invitae Variant Classification Sherloc (09022015). Collection method: clinical testing. Allele origin: germline.
Comment: Advanced modeling of protein sequence and biophysical properties (such as structural, functional, and spatial information, amino acid conservation, physicochemical variation, residue mobility, and thermodynamic stability) performed at Invitae indicates that this missense variant is not expected to disrupt TGFBR2 protein function. In summary, the available evidence is currently insufficient to determine the role of this variant in disease. Therefore, it has been classified as a Variant of Uncertain Significance. This variant has not been reported in the literature in individuals affected with TGFBR2-related conditions. This variant is not present in population databases (gnomAD no frequency). This sequence change replaces valine, which is neutral and non-polar, with alanine, which is neutral and non-polar, at codon 410 of the TGFBR2 protein (p.Val410Ala).